The following is an entry in ClinVar:

ClinVar aggregate classification (germline): Uncertain significance (1 of 4 stars; one submission).

Conditions:
Epidermolysis bullosa simplex 3, localized or generalized intermediate, with BP230 deficiency (EBS3). Also called: Epidermolysis bullosa simplex due to BP230 deficiency; Epidermolysis bullosa simplex, autosomal recessive 2. Identifiers: Orphanet 412181, MedGen C3809470, MONDO:0014180, OMIM 615425.
Hereditary sensory and autonomic neuropathy type 6. Also called: Neuropathy, hereditary sensory and autonomic, type VI; HSAN VI. Identifiers: Orphanet 314381, MedGen C3539003, MONDO:0013839, OMIM 614653.

gnomAD v4.1: 2 of 1,612,630 alleles (0.00012%); highest among the groups gnomAD compares: Middle Eastern, 0.033%; no homozygotes.

Submission:

Labcorp Genetics (formerly Invitae), Labcorp
Classification: Uncertain significance for Epidermolysis bullosa simplex 3, localized or generalized intermediate, with BP230 deficiency; Hereditary sensory and autonomic neuropathy type 6. Last evaluated: 2022-02-18. Review status: criteria provided, single submitter. Criteria: Invitae Variant Classification Sherloc (09022015). Collection method: clinical testing. Allele origin: germline.
Comment: This sequence change falls in intron 75 of the DST gene. It does not directly change the encoded amino acid sequence of the DST protein. In summary, the available evidence is currently insufficient to determine the role of this variant in disease. Therefore, it has been classified as a Variant of Uncertain Significance. Experimental studies and prediction algorithms are not available or were not evaluated, and the effect of this variant on mRNA splicing is currently unknown. This variant has not been reported in the literature in individuals affected with DST-related conditions. This variant is not present in population databases (gnomAD no frequency). The DST gene has multiple clinically relevant transcripts. This variant occurs in alternate transcript NM_015548.4, and corresponds to NM_001723.5:c.*143478C>G in the primary transcript.

NM_001374736.1(DST):c.22158+20C>G

Gene: DST (dystonin; minus strand). Cytogenetic location: 6p12.1.
Variant type: single nucleotide variant.
Coding change: c.22158+20C>G on transcript NM_001374736.1 (MANE Select); 20 bases into the intron after coding-DNA position 22158, C replaced by G.
Molecular consequence: intron variant.
Genome position (GRCh38, 1-based): chr6:56,472,039, G>C on the plus strand (C>G on the coding strand, the complement: DST is on the minus strand). VCF-style: chr6-56472039-G-C. GRCh37 (hg19) VCF-style: chr6-56336837-G-C.
Other names: c.15801+20C>G (NM_001144769.5); c.22158+20C>G (NM_001374722.1); c.22185+20C>G (NM_001374734.1); c.15387+20C>G (NM_001144770.2); c.14940+20C>G (NM_001374730.1); c.15267+20C>G (NM_001386100.1, NM_183380.4); c.21198+20C>G (NM_001374729.1); c.14289+20C>G (NM_015548.5).
Identifiers: ClinVar variation 1920320 (VCV001920320.5), dbSNP rs2533471247, ClinGen allele CA364508317.